The following is an entry in ClinVar:

ClinVar aggregate classification (germline): Uncertain significance (1 of 4 stars; one submission).

Submission:

Labcorp Genetics (formerly Invitae), Labcorp
Classification: Uncertain significance. Last evaluated: 2023-01-19. Review status: criteria provided, single submitter. Criteria: Invitae Variant Classification Sherloc (09022015). Collection method: clinical testing. Allele origin: germline.
Comment: This sequence change replaces phenylalanine, which is neutral and non-polar, with serine, which is neutral and polar, at codon 260 of the CXCR2 protein (p.Phe260Ser). This variant is not present in population databases (gnomAD no frequency). This variant has not been reported in the literature in individuals affected with CXCR2-related conditions. Algorithms developed to predict the effect of missense changes on protein structure and function (SIFT, PolyPhen-2, Align-GVGD) all suggest that this variant is likely to be disruptive. In summary, the available evidence is currently insufficient to determine the role of this variant in disease. Therefore, it has been classified as a Variant of Uncertain Significance.

NM_001557.4(CXCR2):c.779T>C (p.Phe260Ser)

Gene: CXCR2 (C-X-C motif chemokine receptor 2; plus strand). Cytogenetic location: 2q35.
Variant type: single nucleotide variant.
Coding change: c.779T>C on transcript NM_001557.4 (MANE Select); coding-DNA position 779, T replaced by C.
Protein change: p.Phe260Ser; replaces phenylalanine 260 with serine.
Molecular consequence: missense variant.
Genome position (GRCh38, 1-based): chr2:218,135,580, T>C. VCF-style: chr2-218135580-T-C. GRCh37 (hg19) VCF-style: chr2-219000303-T-C.
Other names: c.779T>C, p.Phe260Ser (NM_001168298.2); short protein forms F260S.
Identifiers: ClinVar variation 2830239 (VCV002830239.3), dbSNP rs2469115643, ClinGen allele CA350531469.